The following is an entry in ClinVar:

NM_153816.6(SNX14):c.571A>G (p.Thr191Ala)

Gene: SNX14 (sorting nexin 14; minus strand). Cytogenetic location: 6q14.3.
Variant type: single nucleotide variant.
Coding change: c.571A>G on transcript NM_153816.6 (MANE Select); coding-DNA position 571, A replaced by G.
Protein change: p.Thr191Ala; replaces threonine 191 with alanine.
Molecular consequence: missense variant. On other transcripts: 5 prime UTR variant (5), non-coding transcript variant (6), intron variant (2).
Genome position (GRCh38, 1-based): chr6:85,558,039, T>C on the plus strand (A>G on the coding strand, the complement: SNX14 is on the minus strand). VCF-style: chr6-85558039-T-C. GRCh37 (hg19) VCF-style: chr6-86267757-T-C.
Other names: c.571A>G, p.Thr191Ala (NM_001297614.3, NM_001350538.2, NM_001350540.2 and 1 more transcripts); c.415A>G, p.Thr139Ala (NM_001304479.2, NM_001350544.2); c.634A>G, p.Thr212Ala (NM_001350532.2); c.568A>G, p.Thr190Ala (NM_001350533.2, NM_001350534.2, NM_001350535.2); c.439A>G, p.Thr147Ala (NM_001350536.2, NM_020468.6); c.436A>G, p.Thr146Ala (NM_001350537.2); c.-581A>G (NM_001350549.2, NM_001350550.2, NM_001350553.2 and 1 more transcripts); c.-613A>G (NM_001350552.2); and 6 more; short protein forms T147A, T95A, T212A, T138A, T139A, T94A, T146A, T190A.
Identifiers: ClinVar variation 2115152 (VCV002115152.4), dbSNP rs763601441, ClinGen allele CA3912389.

ClinVar aggregate classification (germline): Uncertain significance (1 of 4 stars; one submission).

Allele frequency attached by ClinVar (database versions not stated): gnomAD exomes below 0.00001; ExAC 0.00001.
gnomAD v4.1: 1 of 1,572,278 alleles (0.000064%); highest among the groups gnomAD compares: Admixed American, 0.0017%; no homozygotes.

Submission:

Labcorp Genetics (formerly Invitae), Labcorp
Classification: Uncertain significance. Last evaluated: 2022-03-20. Review status: criteria provided, single submitter. Criteria: Invitae Variant Classification Sherloc (09022015). Collection method: clinical testing. Allele origin: germline.
Comment: In summary, the available evidence is currently insufficient to determine the role of this variant in disease. Therefore, it has been classified as a Variant of Uncertain Significance. Algorithms developed to predict the effect of missense changes on protein structure and function (SIFT, PolyPhen-2, Align-GVGD) all suggest that this variant is likely to be tolerated. This variant has not been reported in the literature in individuals affected with SNX14-related conditions. The frequency data for this variant in the population databases is considered unreliable, as metrics indicate poor data quality at this position in the gnomAD database. This sequence change replaces threonine, which is neutral and polar, with alanine, which is neutral and non-polar, at codon 191 of the SNX14 protein (p.Thr191Ala).